The following is an entry in ClinVar:

ClinVar aggregate classification (germline): Pathogenic (1 of 4 stars; one submission).

Conditions:
Inborn genetic diseases. Identifiers: MedGen C0950123, MeSH D030342.

Submission:

Ambry Genetics
Classification: Pathogenic for Hereditary disease. Last evaluated: 2016-07-20. Review status: criteria provided, single submitter. Criteria: ambry_reporting_categories_2017. Collection method: clinical testing. Allele origin: germline. Affected: yes. Observed: 1 heterozygote. Segregation with disease observed.
Comment: Lines of evidence used in support of classification: POSITIVE: Relevant Alteration(s) Detected

Literature cited by the submitters: PubMed 24779060; PubMed 15805155; PubMed 16826528; PubMed 19264732; PubMed 22726846; PubMed 26808425; PubMed 22670141; PubMed 29160022.

NM_024757.5(EHMT1):c.3321_3326delinsTT (p.Ala1108fs)

Gene: EHMT1 (euchromatic histone lysine methyltransferase 1; plus strand). Cytogenetic location: 9q34.3.
Variant type: Indel.
Coding change: c.3321_3326delinsTT on transcript NM_024757.5 (MANE Select); coding-DNA positions 3321 to 3326, CGCGTG replaced by TT.
Protein change: p.Ala1108fs; shifts the reading frame from alanine 1108.
Molecular consequence: frameshift variant.
Genome position (GRCh38, 1-based): chr9:137,816,009-137,816,014, CGCGTG replaced by TT. VCF-style: chr9-137816009-CGCGTG-TT. GRCh37 (hg19) VCF-style: chr9-140710461-CGCGTG-TT.
Other names: c.3300_3305delinsTT, p.Ala1101fs (NM_001354263.2); short protein forms A1101fs, A1108fs.
Identifiers: ClinVar variation 521188 (VCV000521188.3), dbSNP rs1554897852, ClinGen allele CA658797397.